The following is an entry in ClinVar:

ClinVar aggregate classification (germline): Pathogenic (1 of 4 stars; one submission).

Conditions:
Lynch syndrome 5 (LYNCH5). Also called: Colorectal cancer, hereditary nonpolyposis, type 5; Hereditary non-polyposis colorectal cancer, type 5. Identifiers: Orphanet 144, MedGen C1833477, MONDO:0013710, OMIM 614350. Disease mechanism: loss of function.

Submission:

Myriad Genetics, Inc.
Classification: Pathogenic for Lynch syndrome 5. Last evaluated: 2023-08-28. Review status: criteria provided, single submitter. Criteria: Myriad Autosomal Dominant, Autosomal Recessive and X-Linked Classification Criteria (2023). Collection method: clinical testing. Allele origin: unknown.
Comment: This variant is considered pathogenic. This variant creates a frameshift predicted to result in premature protein truncation.

NM_000179.3(MSH6):c.3869_3870del (p.Ile1290fs)

Gene: MSH6 (mutS homolog 6; plus strand). Cytogenetic location: 2p16.3.
Variant type: Deletion.
Coding change: c.3869_3870del on transcript NM_000179.3 (MANE Select); coding-DNA positions 3869 to 3870, 2 bases deleted (TT; older notation c.3869_3870delTT).
Protein change: p.Ile1290fs; shifts the reading frame from isoleucine 1290.
Molecular consequence: frameshift variant. On other transcripts: non-coding transcript variant (5), intron variant (1).
Genome position (GRCh38, 1-based): chr2:47,806,519-47,806,520, TT deleted. VCF-style (leftmost placement, unchanged base first): chr2-47806518-ATT-A. GRCh37 (hg19) VCF-style: chr2-48033657-ATT-A.
Other names: c.3479_3480del, p.Ile1160fs (NM_001281492.2); c.2963_2964del, p.Ile988fs (NM_001281493.2, NM_001281494.2, NM_001406811.1 and 6 more transcripts); c.3965_3966del, p.Ile1322fs (NM_001406795.1); c.3869_3870del, p.Ile1290fs (NM_001406796.1, NM_001406808.1, NM_001406809.1); c.3572_3573del, p.Ile1191fs (NM_001406797.1, NM_001406801.1, NM_001406805.1 and 10 more transcripts); c.3695_3696del, p.Ile1232fs (NM_001406798.1); c.3344_3345del, p.Ile1115fs (NM_001406799.1, NM_001406806.1, NM_001406807.1); c.3856_3857del, p.Leu1286fs (NM_001406800.1); and 9 more; short protein forms I1002fs, I1115fs, I1160fs, I1191fs, I1232fs, I1234fs, I1264fs, I1290fs.
Identifiers: ClinVar variation 2673672 (VCV002673672.1), dbSNP rs2530863469, ClinGen allele CA2695200640.